The following is an entry in ClinVar:

NM_052876.4(NACC1):c.1262G>A (p.Arg421His)

Gene: NACC1 (nucleus accumbens associated 1; plus strand). Cytogenetic location: 19p13.13.
Variant type: single nucleotide variant.
Coding change: c.1262G>A on transcript NM_052876.4 (MANE Select); coding-DNA position 1262, G replaced by A.
Protein change: p.Arg421His; replaces arginine 421 with histidine.
Molecular consequence: missense variant.
Genome position (GRCh38, 1-based): chr19:13,137,513, G>A. VCF-style: chr19-13137513-G-A. GRCh37 (hg19) VCF-style: chr19-13248327-G-A.
Other names: short protein forms R421H.
Identifiers: ClinVar variation 2798483 (VCV002798483.3), dbSNP rs2513138357, ClinGen allele CA404329570.
Genomic context (GRCh38, chr19:13,137,513, plus strand): 5'-CTCCCTCCATGTCCCCTGCCCCCAGGAACACGCTGGCCAACAGCTGCGGCACCGGCATCC[G>A]CTCTTCTACCAACGATCCCCGTCGGAAGCCCCTGGACAGCCGCGTGCTCCACGCTGTCAA-3'
Protein context (NP_443108.1, residues 411-431): TLANSCGTGI[Arg421His]SSTNDPRRKP

ClinVar aggregate classification (germline): Uncertain significance (1 of 4 stars; one submission).

Submission:

Labcorp Genetics (formerly Invitae), Labcorp
Classification: Uncertain significance. Last evaluated: 2025-05-01. Review status: criteria provided, single submitter. Criteria: Invitae Variant Classification Sherloc (09022015). Collection method: clinical testing. Allele origin: germline.
Comment: This sequence change replaces arginine, which is basic and polar, with histidine, which is basic and polar, at codon 421 of the NACC1 protein (p.Arg421His). This variant is not present in population databases (gnomAD no frequency). This variant has not been reported in the literature in individuals affected with NACC1-related conditions. ClinVar contains an entry for this variant (Variation ID: 2798483). Invitae Evidence Modeling of protein sequence and biophysical properties (such as structural, functional, and spatial information, amino acid conservation, physicochemical variation, residue mobility, and thermodynamic stability) indicates that this missense variant is not expected to disrupt NACC1 protein function with a negative predictive value of 80%. In summary, the available evidence is currently insufficient to determine the role of this variant in disease. Therefore, it has been classified as a Variant of Uncertain Significance.